The following is an entry in ClinVar:

NM_015409.5(EP400):c.1334A>G (p.Glu445Gly)

Gene: EP400 (E1A binding protein p400; plus strand). Cytogenetic location: 12q24.33.
Variant type: single nucleotide variant.
Coding change: c.1334A>G on transcript NM_015409.5 (MANE Select); coding-DNA position 1334, A replaced by G.
Protein change: p.Glu445Gly; replaces glutamic acid 445 with glycine.
Molecular consequence: missense variant.
Genome position (GRCh38, 1-based): chr12:131,961,953, A>G. VCF-style: chr12-131961953-A-G. GRCh37 (hg19) VCF-style: chr12-132446498-A-G.
Other names: short protein forms E445G.
Identifiers: ClinVar variation 4977559 (VCV004977559.1).

ClinVar aggregate classification (germline): Uncertain significance (1 of 4 stars; one submission).

Conditions:
EP400-related disorder. Also called: EP400-related condition.

gnomAD v4.1: 4 of 1,609,512 alleles (0.00025%); highest among the groups gnomAD compares: African/African-American, 0.0027%; no homozygotes.

Submission:

PreventionGenetics, part of Exact Sciences
Classification: Uncertain significance for EP400-related condition. Last evaluated: 2026-09-19. Review status: criteria provided, single submitter. Criteria: ACMG Guidelines, 2015. Collection method: clinical testing. Allele origin: germline.
Comment: The EP400 c.1334A>G variant is predicted to result in the amino acid substitution p.Glu445Gly. To our knowledge, this variant has not been reported in the literature or in a large population database (gnomAD), indicating this variant is rare. At this time, the clinical significance of this variant is uncertain due to the absence of conclusive functional and genetic evidence.